The following is an entry in ClinVar:

ClinVar aggregate classification (germline): Likely benign (0 of 4 stars; one submission).

Conditions:
BHLHE41-related disorder. Also called: BHLHE41-related condition.

Allele frequency attached by ClinVar (database versions not stated): gnomAD exomes 0.00006; 1000 Genomes Project 30x 0.00016; 1000 Genomes Project 0.00020; ExAC 0.00021; ESP Exome Variant Server 0.00062; gnomAD 0.00085; TOPMed 0.00092.
gnomAD v4.1: 231 of 1,614,112 alleles (0.014%); highest among the groups gnomAD compares: African/African-American, 0.27%; 1 homozygote.

Submission:

PreventionGenetics, part of Exact Sciences
Classification: Likely benign for BHLHE41-related condition. Last evaluated: 2019-10-28. Review status: no assertion criteria provided. Collection method: clinical testing. Allele origin: germline.
Comment: This variant is classified as likely benign based on ACMG/AMP sequence variant interpretation guidelines (Richards et al. 2015 PMID: 25741868, with internal and published modifications).

NM_030762.3(BHLHE41):c.279G>A (p.Leu93=)

Genes: BHLHE41 (basic helix-loop-helix family member e41; minus strand), SSPN (sarcospan; plus strand). Cytogenetic location: 12p12.1.
Variant type: single nucleotide variant.
Coding change: c.279G>A on transcript NM_030762.3 (MANE Select); coding-DNA position 279, G replaced by A.
Protein change: p.Leu93=; no amino-acid change (leucine 93 retained).
Molecular consequence: synonymous variant.
Genome position (GRCh38, 1-based): chr12:26,123,697, C>T on the plus strand (G>A on the coding strand, the complement: BHLHE41 is on the minus strand). VCF-style: chr12-26123697-C-T. GRCh37 (hg19) VCF-style: chr12-26276630-C-T.
Identifiers: ClinVar variation 3045908 (VCV003045908.2), dbSNP rs149995893, ClinGen allele CA6487737.
Genomic context (GRCh38, chr12:26,123,697, plus strand): 5'-TAAAGCAATTATCTTCTGATGCTGTTGCTCGGTTAAGGCGGTTAAAGCTTTTAAGTGTTT[C>T]AAAGTTAATTCCAAGACTACAGCTTTCTCCAGATGTCCCAGAGTCTGCAGTGGTGCAAAA-3'
Protein context (NP_110389.1, residues 83-103): LEKAVVLELT[Leu93=]KHLKALTALT